The following is an entry in ClinVar:

ClinVar aggregate classification (germline): Pathogenic. Review status: criteria provided, multiple submitters, no conflicts (2 of 4 stars). 4 submissions from 4 submitters: Pathogenic (3). 1 of the submissions does not count toward it. Last evaluated 2022-05-22.

Conditions:
Glucocorticoid deficiency 1 (GCCD1). Also called: Adrenal unresponsiveness to acth; FAMILIAL GLUCOCORTICOID DEFICIENCY 1; Glucocorticoid deficiency, due to ACTH unresponsiveness. Identifiers: Orphanet 361, MedGen C4049650, MONDO:0024536, OMIM 202200.
Glucocorticoid deficiency 2 (GCCD2). Also called: FAMILIAL GLUCOCORTICOID DEFICIENCY 2. Identifiers: Orphanet 361, MedGen C4049714, MONDO:0011826, OMIM 607398.

Allele frequency attached by ClinVar (database versions not stated): gnomAD exomes 0.00001 and below 0.00001; TOPMed 0.00002; gnomAD 0.00001.

Submissions (4):

3billion
Classification: Pathogenic for Glucocorticoid deficiency 2. Last evaluated: 2022-05-22. Review status: criteria provided, single submitter. Criteria: ACMG Guidelines, 2015. Collection method: clinical testing. Allele origin: germline. Affected: yes. Observed: 1 homozygote.
Comment: The variant is observed at an extremely low frequency in the gnomAD v2.1.1 dataset (total allele frequency: <0.001%). Canonical splice site: predicted to alter splicing and result in a loss or disruption of normal protein function. Multiple pathogenic loss-of-function variants are reported downstream of the variant. The variant has been reported to be associated with MRAP related disorder (ClinVar ID: VCV000444068 / PMID: 15654338). Therefore, this variant is classified as pathogenic according to the recommendation of ACMG/AMP guideline.

Institute of Human Genetics Munich, TUM University Hospital
Classification: Pathogenic for Glucocorticoid deficiency 1. Last evaluated: 2017-10-04. Review status: criteria provided, single submitter. Criteria: Classification criteria August 2017. Collection method: clinical testing. Allele origin: germline. Inheritance: Autosomal recessive inheritance. Affected: yes. Observed: 1 homozygote.

Juno Genomics, Hangzhou Juno Genomics, Inc
Classification: Pathogenic for Glucocorticoid deficiency 2. Review status: criteria provided, single submitter. Criteria: ACMG Guidelines, 2015. Collection method: clinical testing. Allele origin: germline.
Comment: Absent from controls (or at extremely low frequency if recessive) in Genome Aggregation Database.;Null variant in a gene where loss of function (LOF) is a known mechanism of disease.;For recessive disorders, detected in trans with a pathogenic variant.

OMIM
Classification: Pathogenic for GLUCOCORTICOID DEFICIENCY 2. Last evaluated: 2005-02-01. Review status: no assertion criteria provided. Collection method: literature only. Allele origin: germline. Not counted in ClinVar's aggregate classification.

Literature cited by the submitters: PubMed 15654338 (cited by 3billion and OMIM).

NM_001379228.1(MRAP):c.106+1del

Gene: MRAP (melanocortin 2 receptor accessory protein; plus strand). Cytogenetic location: 21q22.11.
Variant type: Deletion.
Coding change: c.106+1del on transcript NM_001379228.1 (MANE Select); the canonical splice donor site of the intron after coding-DNA position 106, one base deleted (G; older notation c.106+1delG).
Molecular consequence: splice donor variant. On other transcripts: intron variant (1).
Genome position (GRCh38, 1-based): chr21:32,299,078, G deleted. VCF-style (leftmost placement, unchanged base first): chr21-32299077-CG-C. GRCh37 (hg19) VCF-style: chr21-33671388-CG-C.
Other names: IVS3, G DEL, +1; c.106+1del (NM_206898.2, NM_178817.4); c.-72+5946del (NM_001285394.2).
Identifiers: ClinVar variation 444068 (VCV000444068.7), dbSNP rs1476574441, ClinGen allele CA637635706.
Genomic context (GRCh38, chr21:32,299,077, plus strand): 5'-TACTACCTGGACTATCTGGACCTCATTCCCGTGGACGAGAAGAAGCTGAAAGCCCACAAA[CG>C]TAAGTCTGAACTAGGGAAGCCGGTCAGACAGAGGCTGGGGGCCGGGGCCCAAATGACTGG-3'